The following is an entry in ClinVar:

NM_004260.4(RECQL4):c.1981G>A (p.Glu661Lys)

Gene: RECQL4 (RecQ like helicase 4; minus strand). Cytogenetic location: 8q24.3.
Variant type: single nucleotide variant.
Coding change: c.1981G>A on transcript NM_004260.4 (MANE Select); coding-DNA position 1981, G replaced by A.
Protein change: p.Glu661Lys; replaces glutamic acid 661 with lysine.
Molecular consequence: missense variant.
Genome position (GRCh38, 1-based): chr8:144,514,005, C>T on the plus strand (G>A on the coding strand, the complement: RECQL4 is on the minus strand). VCF-style: chr8-144514005-C-T. GRCh37 (hg19) VCF-style: chr8-145739389-C-T.
Other names: short protein forms E661K.
Identifiers: ClinVar variation 459363 (VCV000459363.9), dbSNP rs775332504, ClinGen allele CA4948552.

ClinVar aggregate classification (germline): Uncertain significance. Review status: criteria provided, multiple submitters, no conflicts (2 of 4 stars). 2 submissions from 2 submitters: Uncertain significance (2). Last evaluated 2025-07-30.

Conditions:
Inborn genetic diseases. Identifiers: MedGen C0950123, MeSH D030342.
Baller-Gerold syndrome (BGS). Also called: CRANIOSYNOSTOSIS WITH RADIAL DEFECTS. Identifiers: Orphanet 1225, MedGen C0265308, MONDO:0009039, OMIM 218600.

Allele frequency attached by ClinVar (database versions not stated): TOPMed 0.00006; gnomAD 0.00007 and 0.00008; gnomAD exomes 0.00007; ExAC 0.00009.
gnomAD v4.1: 104 of 1,569,494 alleles (0.0066%); highest among the groups gnomAD compares: Non-Finnish European, 0.0079%; no homozygotes.

Submissions (2):

Labcorp Genetics (formerly Invitae), Labcorp
Classification: Uncertain significance for Baller-Gerold syndrome. Last evaluated: 2025-07-30. Review status: criteria provided, single submitter. Criteria: Invitae Variant Classification Sherloc (09022015). Collection method: clinical testing. Allele origin: germline.
Comment: This sequence change replaces glutamic acid, which is acidic and polar, with lysine, which is basic and polar, at codon 661 of the RECQL4 protein (p.Glu661Lys). This variant is present in population databases (rs775332504, gnomAD 0.01%). This variant has not been reported in the literature in individuals affected with RECQL4-related conditions. ClinVar contains an entry for this variant (Variation ID: 459363). Invitae Evidence Modeling of protein sequence and biophysical properties (such as structural, functional, and spatial information, amino acid conservation, physicochemical variation, residue mobility, and thermodynamic stability) indicates that this missense variant is not expected to disrupt RECQL4 protein function with a negative predictive value of 80%. In summary, the available evidence is currently insufficient to determine the role of this variant in disease. Therefore, it has been classified as a Variant of Uncertain Significance.

Ambry Genetics
Classification: Uncertain significance for Inborn genetic diseases. Last evaluated: 2024-10-15. Review status: criteria provided, single submitter. Criteria: Ambry Variant Classification Scheme 2023. Collection method: clinical testing. Allele origin: germline.
Comment: The p.E661K variant (also known as c.1981G>A), located in coding exon 12 of the RECQL4 gene, results from a G to A substitution at nucleotide position 1981. The glutamic acid at codon 661 is replaced by lysine, an amino acid with similar properties. This amino acid position is conserved. In addition, this alteration is predicted to be tolerated by in silico analysis. Based on the available evidence, the clinical significance of this variant remains unclear.